The following is an entry in ClinVar:

ClinVar aggregate classification (germline): Uncertain significance. Review status: criteria provided, multiple submitters, no conflicts (2 of 4 stars). 3 submissions from 3 submitters: Uncertain significance (3). Last evaluated 2025-01-06.

Conditions:
Inborn genetic diseases. Identifiers: MedGen C0950123, MeSH D030342.
Amelocerebrohypohidrotic syndrome (KTZS). Also called: Kohlschutter's syndrome; EPILEPSY AND YELLOW TEETH; EPILEPSY, DEMENTIA, AND AMELOGENESIS IMPERFECTA; KOHLSCHUTTER SYNDROME. Identifiers: Orphanet 1946, MedGen C0406740, MONDO:0009185, OMIM 226750.

Allele frequency attached by ClinVar (database versions not stated): gnomAD 0.00026 and 0.00027; TOPMed 0.00030; 1000 Genomes Project 0.00040; 1000 Genomes Project 30x 0.00047.
gnomAD v4.1: 92 of 1,607,670 alleles (0.0057%); highest among the groups gnomAD compares: African/African-American, 0.099%; no homozygotes.

Submissions (3):

Labcorp Genetics (formerly Invitae), Labcorp
Classification: Uncertain significance for Amelocerebrohypohidrotic syndrome. Last evaluated: 2025-01-06. Review status: criteria provided, single submitter. Criteria: Invitae Variant Classification Sherloc (09022015). Collection method: clinical testing. Allele origin: germline.
Comment: This sequence change replaces alanine, which is neutral and non-polar, with threonine, which is neutral and polar, at codon 220 of the ROGDI protein (p.Ala220Thr). This variant is present in population databases (rs546063670, gnomAD 0.1%). This variant has not been reported in the literature in individuals affected with ROGDI-related conditions. ClinVar contains an entry for this variant (Variation ID: 969753). An algorithm developed to predict the effect of missense changes on protein structure and function outputs the following: PolyPhen-2: "Benign". The threonine amino acid residue is found in multiple mammalian species, which suggests that this missense change does not adversely affect protein function. In summary, the available evidence is currently insufficient to determine the role of this variant in disease. Therefore, it has been classified as a Variant of Uncertain Significance.

Ambry Genetics
Classification: Uncertain significance for Inborn genetic diseases. Last evaluated: 2024-10-01. Review status: criteria provided, single submitter. Criteria: Ambry Variant Classification Scheme 2023. Collection method: clinical testing. Allele origin: germline.

Breakthrough Genomics
Classification: Uncertain significance. Review status: criteria provided, single submitter. Criteria: ACMG Guidelines, 2015. Collection method: not provided. Allele origin: germline. Inheritance: Autosomal recessive inheritance. Affected: yes.

NM_024589.3(ROGDI):c.658G>A (p.Ala220Thr)

Gene: ROGDI (rogdi atypical leucine zipper; minus strand). Cytogenetic location: 16p13.3.
Variant type: single nucleotide variant.
Coding change: c.658G>A on transcript NM_024589.3 (MANE Select); coding-DNA position 658, G replaced by A.
Protein change: p.Ala220Thr; replaces alanine 220 with threonine.
Molecular consequence: missense variant. On other transcripts: non-coding transcript variant (1).
Genome position (GRCh38, 1-based): chr16:4,797,975, C>T on the plus strand (G>A on the coding strand, the complement: ROGDI is on the minus strand). VCF-style: chr16-4797975-C-T. GRCh37 (hg19) VCF-style: chr16-4847976-C-T.
Other names: c.658G>A (NM_024589.1); short protein forms A220T.
Identifiers: ClinVar variation 969753 (VCV000969753.8), dbSNP rs546063670, ClinGen allele CA7882566.
Genomic context (GRCh38, chr16:4,797,975, plus strand): 5'-ACCCCCCGCCCCTGCCTACTTACAACATGGCCCCAGGGCTATGCAGCACCGCGCCCCCAG[C>T]TGGGCGGAAGTTCTAGGGAGAACAGCACCAGACCCGTCAGGCCTTGCAGGGCGTGTGCAT-3'
Protein context (NP_078865.1, residues 210-230): QPNSTKNFRP[Ala220Thr]GGAVLHSPGA